The following is an entry in ClinVar:

NM_007294.4(BRCA1):c.1193C>T (p.Ser398Leu)

Gene: BRCA1 (BRCA1 DNA repair associated; minus strand). Cytogenetic location: 17q21.31.
Variant type: single nucleotide variant.
Coding change: c.1193C>T on transcript NM_007294.4 (MANE Select); coding-DNA position 1193, C replaced by T.
Protein change: p.Ser398Leu; replaces serine 398 with leucine.
Molecular consequence: missense variant. On other transcripts: intron variant (137).
Genome position (GRCh38, 1-based): chr17:43,094,338, G>A on the plus strand (C>T on the coding strand, the complement: BRCA1 is on the minus strand). VCF-style: chr17-43094338-G-A. GRCh37 (hg19) VCF-style: chr17-41246355-G-A.
Other names: c.980C>T, p.Ser327Leu (NM_001407571.1, NM_001407853.1, NM_001407894.1 and 9 more transcripts); c.1193C>T, p.Ser398Leu (NM_001407581.1, NM_001407582.1, NM_001407583.1 and 30 more transcripts); c.1190C>T, p.Ser397Leu (NM_001407587.1, NM_001407590.1, NM_001407591.1 and 22 more transcripts); c.1184C>T, p.Ser395Leu (NM_001407646.1, NM_001407647.1); c.1070C>T, p.Ser357Leu (NM_001407648.1, NM_001407664.1, NM_001407665.1 and 19 more transcripts); c.1067C>T, p.Ser356Leu (NM_001407649.1, NM_001407670.1, NM_001407671.1 and 11 more transcripts); c.1115C>T, p.Ser372Leu (NM_001407653.1, NM_001407654.1, NM_001407655.1 and 4 more transcripts); c.1112C>T, p.Ser371Leu (NM_001407659.1, NM_001407660.1, NM_001407661.1 and 1 more transcripts); and 40 more; short protein forms S351L, S398L, S102L, S287L, S309L, S310L, S327L, S328L.
Identifiers: ClinVar variation 652057 (VCV000652057.14), dbSNP rs80357068, ClinGen allele CA057085.

ClinVar aggregate classification (germline): Conflicting classifications of pathogenicity. Review status: criteria provided, conflicting classifications (1 of 4 stars). 3 submissions from 3 submitters: Uncertain significance (2); Likely benign (1). Last evaluated 2025-10-27.

Conditions:
Hereditary cancer-predisposing syndrome. Also called: Neoplastic Syndromes, Hereditary; Tumor predisposition; Hereditary Cancer Syndrome; Hereditary neoplastic syndrome. Identifiers: Orphanet 140162, MedGen C0027672, MeSH D009386, MONDO:0015356.
Hereditary breast ovarian cancer syndrome. Also called: Breast and ovarian cancer; BRCA1- and BRCA2-Associated Hereditary Breast and Ovarian Cancer; Hereditary breast and ovarian cancer; Hereditary breast and/or ovarian cancer syndrome; Hereditary breast and ovarian cancer syndrome; Hereditary breast and ovarian cancer syndrome (HBOC). Identifiers: Orphanet 145, MedGen C0677776, MeSH D061325, MONDO:0003582. Disease mechanism: loss of function.

Allele frequency attached by ClinVar (database versions not stated): gnomAD exomes below 0.00001; ExAC 0.00001.

Submissions (3):

Labcorp Genetics (formerly Invitae), Labcorp
Classification: Uncertain significance for Hereditary breast ovarian cancer syndrome. Last evaluated: 2025-10-27. Review status: criteria provided, single submitter. Criteria: Invitae Variant Classification Sherloc (09022015). Collection method: clinical testing. Allele origin: germline.
Comment: This sequence change replaces serine, which is neutral and polar, with leucine, which is neutral and non-polar, at codon 398 of the BRCA1 protein (p.Ser398Leu). This variant is present in population databases (rs80357068, gnomAD 0.0009%). This missense change has been observed in individual(s) with BRCA1-related conditions (PMID: 21520333). ClinVar contains an entry for this variant (Variation ID: 652057). Invitae Evidence Modeling of protein sequence and biophysical properties (such as structural, functional, and spatial information, amino acid conservation, physicochemical variation, residue mobility, and thermodynamic stability) indicates that this missense variant is not expected to disrupt BRCA1 protein function with a negative predictive value of 80%. In summary, the available evidence is currently insufficient to determine the role of this variant in disease. Therefore, it has been classified as a Variant of Uncertain Significance.

Ambry Genetics
Classification: Uncertain significance for Hereditary cancer-predisposing syndrome. Last evaluated: 2023-04-11. Review status: criteria provided, single submitter. Criteria: Ambry Variant Classification Scheme 2023. Collection method: clinical testing. Allele origin: germline.
Comment: The p.S398L variant (also known as c.1193C>T), located in coding exon 9 of the BRCA1 gene, results from a C to T substitution at nucleotide position 1193. The serine at codon 398 is replaced by leucine, an amino acid with dissimilar properties. This amino acid position is not well conserved in available vertebrate species. In addition, the in silico prediction for this alteration is inconclusive. Since supporting evidence is limited at this time, the clinical significance of this alteration remains unclear.

University of Washington Department of Laboratory Medicine, University of Washington
Classification: Likely benign for Hereditary cancer-predisposing syndrome. Last evaluated: 2023-03-23. Review status: criteria provided, single submitter. Criteria: Dines et al. (Genet Med. 2020). Collection method: curation. Allele origin: germline.
Comment: Missense variant in a coldspot region where missense variants are very unlikely to be pathogenic (PMID:31911673).

BRCA1 coldspot (exon 11 using historical exon numbering). Reclassification based on statistical prior probability

Literature cited by the submitters: PubMed 21520333 (cited by Labcorp Genetics (formerly Invitae), Labcorp).